The following is an entry in ClinVar:

NM_000059.4(BRCA2):c.2819A>G (p.Gln940Arg)

Gene: BRCA2 (BRCA2 DNA repair associated; plus strand). Cytogenetic location: 13q13.1.
Variant type: single nucleotide variant.
Coding change: c.2819A>G on transcript NM_000059.4 (MANE Select); coding-DNA position 2819, A replaced by G.
Protein change: p.Gln940Arg; replaces glutamine 940 with arginine.
Molecular consequence: missense variant.
Genome position (GRCh38, 1-based): chr13:32,337,174, A>G. VCF-style: chr13-32337174-A-G. GRCh37 (hg19) VCF-style: chr13-32911311-A-G.
Other names: short protein forms Q940R.
Identifiers: ClinVar variation 377579 (VCV000377579.18), dbSNP rs1057520249, ClinGen allele CA16606666.

ClinVar aggregate classification (germline): Conflicting classifications of pathogenicity. Review status: criteria provided, conflicting classifications (1 of 4 stars). 6 submissions from 6 submitters: Uncertain significance (4); Likely benign (2). Last evaluated 2025-11-17.

Conditions:
BRCA2-related cancer predisposition. Identifiers: MedGen CN377758, MONDO:0700269.
Hereditary cancer-predisposing syndrome. Also called: Hereditary neoplastic syndrome; Hereditary Cancer Syndrome; Neoplastic Syndromes, Hereditary; Tumor predisposition. Identifiers: Orphanet 140162, MedGen C0027672, MeSH D009386, MONDO:0015356.
Hereditary breast ovarian cancer syndrome. Also called: Hereditary breast and ovarian cancer syndrome (HBOC); Hereditary breast and ovarian cancer syndrome; Hereditary breast and ovarian cancer; BRCA1- and BRCA2-Associated Hereditary Breast and Ovarian Cancer; Breast and ovarian cancer; Hereditary breast and/or ovarian cancer syndrome. Identifiers: Orphanet 145, MedGen C0677776, MeSH D061325, MONDO:0003582. Disease mechanism: loss of function.

Allele frequency attached by ClinVar (database versions not stated): gnomAD exomes below 0.00001; TOPMed 0.00001.
gnomAD v4.1: 1 of 1,613,816 alleles (0.000062%); highest among the groups gnomAD compares: African/African-American, 0.0013%; no homozygotes.

Submissions (6):

Ambry Genetics
Classification: Uncertain significance for Hereditary cancer-predisposing syndrome. Last evaluated: 2025-11-17. Review status: criteria provided, single submitter. Criteria: Ambry Variant Classification Scheme 2023. Collection method: clinical testing. Allele origin: germline.
Comment: The c.2819A>G (p.Q940R) alteration is located in exon 11 (coding exon 10) of the BRCA2 gene. This alteration results from a A to G substitution at nucleotide position 2819, causing the glutamine (Q) at amino acid position 940 to be replaced by an arginine (R). Based on data from gnomAD, the G allele has an overall frequency of <0.001% (1/250674) total alleles studied. The highest observed frequency was 0.006% (1/16160) of African alleles. Based on insufficient or conflicting evidence, the clinical significance of this alteration remains unclear.

Labcorp Genetics (formerly Invitae), Labcorp
Classification: Uncertain significance for Hereditary breast ovarian cancer syndrome. Last evaluated: 2024-06-09. Review status: criteria provided, single submitter. Criteria: Invitae Variant Classification Sherloc (09022015). Collection method: clinical testing. Allele origin: germline.
Comment: This sequence change replaces glutamine, which is neutral and polar, with arginine, which is basic and polar, at codon 940 of the BRCA2 protein (p.Gln940Arg). This variant is not present in population databases (gnomAD no frequency). This variant has not been reported in the literature in individuals affected with BRCA2-related conditions. ClinVar contains an entry for this variant (Variation ID: 377579). Advanced modeling of protein sequence and biophysical properties (such as structural, functional, and spatial information, amino acid conservation, physicochemical variation, residue mobility, and thermodynamic stability) performed at Invitae indicates that this missense variant is not expected to disrupt BRCA2 protein function with a negative predictive value of 95%. In summary, the available evidence is currently insufficient to determine the role of this variant in disease. Therefore, it has been classified as a Variant of Uncertain Significance.

All of Us Research Program, National Institutes of Health
Classification: Uncertain significance for BRCA2-related cancer predisposition. Last evaluated: 2024-05-14. Review status: criteria provided, single submitter. Criteria: ACMG Guidelines, 2015. Collection method: clinical testing. Allele origin: germline. Inheritance: Autosomal dominant inheritance. Observed: 1 variant allele, 1 heterozygote.
Comment: This missense variant replaces glutamine with arginine at codon 940 of the BRCA2 protein. Computational prediction suggests that this variant may not impact protein structure and function. To our knowledge, functional studies have not been reported for this variant. This variant has not been reported in individuals affected with BRCA2-related disorders in the literature. This variant has been identified in 1/250674 chromosomes in the general population by the Genome Aggregation Database (gnomAD). The available evidence is insufficient to determine the role of this variant in disease conclusively. Therefore, this variant is classified as a Variant of Uncertain Significance.

This study involves interpretation of variants in research participants for the purpose of population health screening. Participant phenotype was not available at the time of variant classification. Additional details can be found in publication PMID: 35346344, PMCID: PMC8962531

University of Washington Department of Laboratory Medicine, University of Washington
Classification: Likely benign for Hereditary cancer-predisposing syndrome. Last evaluated: 2023-03-23. Review status: criteria provided, single submitter. Criteria: Dines et al. (Genet Med. 2020). Collection method: curation. Allele origin: germline.
Comment: Missense variant in a coldspot region where missense variants are very unlikely to be pathogenic (PMID:31911673).

BRCA2 exon 11 coldspot. Reclassification based on statistical prior probability.

Women's Health and Genetics/Laboratory Corporation of America, LabCorp
Classification: Uncertain significance. Last evaluated: 2020-02-12. Review status: criteria provided, single submitter. Criteria: LabCorp Variant Classification Summary - May 2015. Collection method: clinical testing. Allele origin: germline.
Comment: Variant summary: BRCA2 c.2819A>G (p.Gln940Arg) results in a conservative amino acid change in the encoded protein sequence. Four of five in-silico tools predict a benign effect of the variant on protein function. The variant allele was found at a frequency of 4e-06 in 250674 control chromosomes. The available data on variant occurrences in the general population are insufficient to allow any conclusion about variant significance. To our knowledge, no occurrence of c.2819A>G in individuals affected with Hereditary Breast and Ovarian Cancer and no experimental evidence demonstrating its impact on protein function have been reported. One clinical diagnostic laboratory has submitted clinical-significance assessments for this variant to ClinVar after 2014 without evidence for independent evaluation. One laboratory classified the variant as likely benign. Based on the evidence outlined above, the variant was classified as uncertain significance.

GeneDx
Classification: Likely benign. Last evaluated: 2017-08-10. Review status: criteria provided, single submitter. Criteria: GeneDx Variant Classification (06012015). Collection method: clinical testing. Allele origin: germline. Affected: yes.
Comment: This variant is considered likely benign or benign based on one or more of the following criteria: it is a conservative change, it occurs at a poorly conserved position in the protein, it is predicted to be benign by multiple in silico algorithms, and/or has population frequency not consistent with disease.